The following is an entry in ClinVar:

NM_058216.3(RAD51C):c.1027-2A>G

Gene: RAD51C (RAD51 paralog C; plus strand). Cytogenetic location: 17q22.
Variant type: single nucleotide variant.
Coding change: c.1027-2A>G on transcript NM_058216.3 (MANE Select); the canonical splice acceptor site of the intron before coding-DNA position 1027, A replaced by G.
Molecular consequence: splice acceptor variant.
Genome position (GRCh38, 1-based): chr17:58,734,116, A>G. VCF-style: chr17-58734116-A-G. GRCh37 (hg19) VCF-style: chr17-56811477-A-G.
Identifiers: ClinVar variation 136155 (VCV000136155.34), dbSNP rs587780835, ClinGen allele CA332999.
Genomic context (GRCh38, chr17:58,734,116, plus strand): 5'-TTCTAAGATCAGTCTTCAAATGTTCTTAAAGCATATTTGTATATATATTTTTTATCTTTC[A>G]GCCTCAGGGATTTAGAGATACTGTTGTTACTTCTGCATGTTCATTGCAAACAGAAGGTTC-3'

ClinVar aggregate classification (germline): Uncertain significance. Review status: criteria provided, multiple submitters, no conflicts (2 of 4 stars). 4 submissions from 4 submitters: Uncertain significance (3). 1 of the submissions does not count toward it. Last evaluated 2024-10-17.

Conditions:
Hereditary cancer-predisposing syndrome. Also called: Tumor predisposition; Hereditary neoplastic syndrome; Hereditary Cancer Syndrome; Neoplastic Syndromes, Hereditary. Identifiers: Orphanet 140162, MedGen C0027672, MeSH D009386, MONDO:0015356.
Gastric cancer. Also called: Stomach cancer; Malignant tumor of stomach. Identifiers: MedGen C0024623, MeSH D013274, MONDO:0001056, OMIM 613659, HP:0012126.
Fanconi anemia complementation group O. Also called: RAD51C-Related Fanconi Anemia. Identifiers: Orphanet 84, MedGen C3150653, MONDO:0013248, OMIM 613390.

Allele frequency attached by ClinVar (database versions not stated): gnomAD exomes below 0.00001.

Submissions (4):

Ambry Genetics
Classification: Uncertain significance for Hereditary cancer-predisposing syndrome. Last evaluated: 2024-10-17. Review status: criteria provided, single submitter. Criteria: Ambry Variant Classification Scheme 2023. Collection method: clinical testing. Allele origin: germline.
Comment: The c.1027-2A>G intronic variant results from an A to G substitution two nucleotides upstream from coding exon 9 in the RAD51C gene. This alteration has been observed in the literature in one patient with ovarian cancer (Desmond A et al. JAMA Oncol. 2015 Oct;1:943-51). This nucleotide position is highly conserved in available vertebrate species. In silico splice site analysis predicts that this alteration will weaken the native splice acceptor site and will result in the creation or strengthening of a novel splice acceptor site. RNA studies have demonstrated that this alteration results in a transcript predicted to lead to a protein with an in-frame deletion of two amino acids; however, the exact functional impact of the deleted amino acids are unknown at this time (Ambry internal data). Since supporting evidence is limited at this time, the clinical significance of this alteration remains unclear.

Labcorp Genetics (formerly Invitae), Labcorp
Classification: Uncertain significance for Fanconi anemia complementation group O. Last evaluated: 2023-06-04. Review status: criteria provided, single submitter. Criteria: Invitae Variant Classification Sherloc (09022015). Collection method: clinical testing. Allele origin: germline.
Comment: Variants that disrupt the consensus splice site are a relatively common cause of aberrant splicing (PMID: 17576681, 9536098). Studies have shown that disruption of this splice site results in the activation of a cryptic splice site in exon 9 (Invitae). ClinVar contains an entry for this variant (Variation ID: 136155). Disruption of this splice site has been observed in individual(s) with personal and family history of breast and/or ovarian cancer (PMID: 26270727). This variant is not present in population databases (gnomAD no frequency). This sequence change affects an acceptor splice site in intron 8 of the RAD51C gene. RNA analysis indicates that disruption of this splice site induces altered splicing and likely results in the loss of 2 amino acid residue(s), but is expected to preserve the integrity of the reading-frame. In summary, the available evidence is currently insufficient to determine the role of this variant in disease. Therefore, it has been classified as a Variant of Uncertain Significance.

Women's Health and Genetics/Laboratory Corporation of America, LabCorp
Classification: Uncertain significance. Last evaluated: 2023-05-11. Review status: criteria provided, single submitter. Criteria: LabCorp Variant Classification Summary - May 2015. Collection method: clinical testing. Allele origin: germline.
Comment: Variant summary: RAD51C c.1027-2A>G is located in a canonical splice-site and is predicted to affect mRNA splicing resulting in a significantly altered protein due to either exon skipping, shortening, or inclusion of intronic material. Several computational tools predict a significant impact on normal splicing: Four predict the variant abolishes a 3 acceptor site. Four predict the variant creates a cryptic 3 acceptor site and results in an in-frame deletion of two amino acids. However, these predictions have yet to be confirmed by functional studies. The variant allele was found at a frequency of 6.8e-06 in 294720 control chromosomes (gnomAD and publication data). The available data on variant occurrences in the general population are insufficient to allow any conclusion about variant significance. c.1027-2A>G has been reported in the literature in at least one individual affected with Hereditary Breast And Ovarian Cancer Syndrome, as well as in controls (Desmond_2015, Mizukami_2020). These data do not allow any conclusion about variant significance. To our knowledge, no experimental evidence demonstrating an impact on protein function has been reported. The following publications have been ascertained in the context of this evaluation (PMID: 26270727, 35806449, 32980694). Three ClinVar submitters (evaluation after 2014) cite this variant as uncertain significance (n=2) and likely pathogenic (n=1). Based on the evidence outlined above, the variant was classified as uncertain significance.

Laboratory for Genotyping Development, RIKEN
Classification: Pathogenic for Gastric cancer. Last evaluated: 2021-07-01. Review status: no assertion criteria provided. Collection method: research. Allele origin: germline. Not counted in ClinVar's aggregate classification.

Literature cited by the submitters: PubMed 26270727 (cited by 3 submitters); PubMed 17576681 (cited by Labcorp Genetics (formerly Invitae), Labcorp); PubMed 9536098 (cited by Labcorp Genetics (formerly Invitae), Labcorp); PubMed 32980694 (cited by Women's Health and Genetics/Laboratory Corporation of America, LabCorp); PubMed 35806449 (cited by Women's Health and Genetics/Laboratory Corporation of America, LabCorp); PubMed 36988593 (cited by Laboratory for Genotyping Development, RIKEN).